The following is an entry in ClinVar:

NM_172107.4(KCNQ2):c.346_348del (p.Lys116del)

Gene: KCNQ2 (potassium voltage-gated channel subfamily Q member 2; minus strand). Cytogenetic location: 20q13.33.
Variant type: Deletion.
Coding change: c.346_348del on transcript NM_172107.4 (MANE Select); coding-DNA positions 346 to 348, 3 bases deleted (AAG; older notation c.346_348delAAG).
Protein change: p.Lys116del; deletes lysine 116.
Molecular consequence: inframe deletion.
Genome position (GRCh38, 1-based): chr20:63,446,786-63,446,788, CTT deleted on the plus strand (AAG on the coding strand, the reverse complement: KCNQ2 is on the minus strand). VCF-style (leftmost placement, unchanged base first): chr20-63446785-CCTT-C. GRCh37 (hg19) VCF-style: chr20-62078138-CCTT-C.
Other names: K116delK; c.346_348del, p.Lys116del (NM_004518.6, NM_172106.3, NM_172108.5 and 1 more transcripts); short protein forms K116del.
Identifiers: ClinVar variation 21785 (VCV000021785.10), dbSNP rs118192192, ClinGen allele CA342504.

ClinVar aggregate classification (germline): Uncertain significance. Review status: criteria provided, single submitter (1 of 4 stars). 2 submissions from 2 submitters: Uncertain significance (1). 1 of the submissions does not count toward it. Last evaluated 2021-06-24.

Conditions:
Early-infantile DEE. Also called: Early infantile epileptic encephalopathy with suppression bursts; Early infantile epileptic encephalopathy; Ohtahara syndrome. Identifiers: Orphanet 1934, MedGen C0393706, MONDO:0800491.
Benign neonatal seizures. Also called: Convulsions benign familial neonatal dominant form; Autosomal dominant form of benign neonatal seizures; Benign neonatal familial convulsions; Benign familial neonatal epilepsy; Benign familial neonatal seizures. Identifiers: Orphanet 1949, MedGen C0220669, MONDO:0016027.

Submissions (2):

Labcorp Genetics (formerly Invitae), Labcorp
Classification: Uncertain significance for Early-infantile DEE. Last evaluated: 2021-06-24. Review status: criteria provided, single submitter. Criteria: Invitae Variant Classification Sherloc (09022015). Collection method: clinical testing. Allele origin: germline.
Comment: This variant, c.346_348del, results in the deletion of 1 amino acid(s) of the KCNQ2 protein (p.Lys116del), but otherwise preserves the integrity of the reading frame. This variant is not present in population databases (ExAC no frequency). In summary, the available evidence is currently insufficient to determine the role of this variant in disease. Therefore, it has been classified as a Variant of Uncertain Significance. Experimental studies have shown that this variant affects KCNQ2 protein function (PMID: 18625963). This variant has been observed in individual(s) with clinical features of KCNQ2-related conditions (PMID: 18625963). ClinVar contains an entry for this variant (Variation ID: 21785).

GeneReviews
No classification provided. Condition: Benign neonatal seizures. Review status: no classification provided. Collection method: literature only. Allele origin: germline. Affected: yes. Not counted in ClinVar's aggregate classification.
Comment: ABPE (atypical benign partial epilepsy)

Functional effect: Reduction in current amplitude

Literature cited by the submitters: PubMed 18625963 (cited by Labcorp Genetics (formerly Invitae), Labcorp and GeneReviews); PubMed 19464834 (cited by GeneReviews); NCBI Bookshelf NBK32534 (cited by GeneReviews).